The following is an entry in ClinVar:

NM_007294.4(BRCA1):c.1115G>A (p.Trp372Ter)

Gene: BRCA1 (BRCA1 DNA repair associated; minus strand). Cytogenetic location: 17q21.31.
Variant type: single nucleotide variant.
Coding change: c.1115G>A on transcript NM_007294.4 (MANE Select); coding-DNA position 1115, G replaced by A.
Protein change: p.Trp372Ter; replaces tryptophan 372 with a stop codon.
Molecular consequence: nonsense. On other transcripts: intron variant (137).
Genome position (GRCh38, 1-based): chr17:43,094,416, C>T on the plus strand (G>A on the coding strand, the complement: BRCA1 is on the minus strand). VCF-style: chr17-43094416-C-T. GRCh37 (hg19) VCF-style: chr17-41246433-C-T.
Other names: c.851G>A, p.Trp284Ter (NM_001407921.1, NM_001407922.1, NM_001407923.1 and 9 more transcripts); c.848G>A, p.Trp283Ter (NM_001407930.1, NM_001407931.1, NM_001407932.1 and 2 more transcripts); c.992G>A, p.Trp331Ter (NM_001407937.1, NM_001407938.1, NM_001407939.1 and 19 more transcripts); c.989G>A, p.Trp330Ter (NM_001407940.1, NM_001407941.1, NM_001407649.1 and 11 more transcripts); c.974G>A, p.Trp325Ter (NM_001407942.1, NM_001407944.1, NM_001407945.1 and 29 more transcripts); c.971G>A, p.Trp324Ter (NM_001407943.1, NM_001407964.1, NM_001407740.1 and 20 more transcripts); c.782G>A, p.Trp261Ter (NM_001407946.1, NM_001407947.1, NM_001407948.1 and 6 more transcripts); c.779G>A, p.Trp260Ter (NM_001407954.1, NM_001407955.1, NM_001407956.1 and 1 more transcripts); and 40 more; short protein forms W372*, W325*, W204*, W245*, W284*, W302*, W304*, W301*.
Identifiers: ClinVar variation 54134 (VCV000054134.20), dbSNP rs397508838, ClinGen allele CA000745.

ClinVar aggregate classification (germline): Pathogenic. Review status: reviewed by expert panel (3 of 4 stars). 6 submissions from 6 submitters: Pathogenic (1). 5 of the submissions do not count toward it. Last evaluated 2016-09-08.

Conditions:
Fanconi anemia, complementation group S (FANCS). Identifiers: MedGen C4554406, MONDO:0054748, OMIM 617883.
Hereditary cancer-predisposing syndrome. Also called: Tumor predisposition; Neoplastic Syndromes, Hereditary; Hereditary Cancer Syndrome; Hereditary neoplastic syndrome. Identifiers: Orphanet 140162, MedGen C0027672, MeSH D009386, MONDO:0015356.
Hereditary breast ovarian cancer syndrome. Also called: Hereditary breast and ovarian cancer syndrome (HBOC); Hereditary breast and ovarian cancer syndrome; Hereditary breast and ovarian cancer; Hereditary breast and/or ovarian cancer syndrome; Breast and ovarian cancer; BRCA1- and BRCA2-Associated Hereditary Breast and Ovarian Cancer. Identifiers: Orphanet 145, MedGen C0677776, MeSH D061325, MONDO:0003582. Disease mechanism: loss of function.
Breast-ovarian cancer, familial, susceptibility to, 1 (BROVCA1). Also called: OVARIAN CANCER, SUSCEPTIBILITY TO; BRCA1 Hereditary Breast and Ovarian Cancer. Identifiers: Orphanet 145, MedGen C2676676, MONDO:0011450, OMIM 604370. Disease mechanism: loss of function.

Allele frequency attached by ClinVar (database versions not stated): ExAC 0.00001; gnomAD 0.00001.
gnomAD v4.1: 1 of 1,614,018 alleles (0.000062%); no homozygotes.

Submissions (6):

Evidence-based Network for the Interpretation of Germline Mutant Alleles (ENIGMA)
Classification: Pathogenic for Breast-ovarian cancer, familial, susceptibility to, 1. Last evaluated: 2016-09-08. Review status: reviewed by expert panel. Criteria: ENIGMA BRCA1/2 Classification Criteria (2015). Collection method: curation. Allele origin: germline.
Comment: Variant allele predicted to encode a truncated non-functional protein.

Ambry Genetics
Classification: Pathogenic for Hereditary cancer-predisposing syndrome. Last evaluated: 2021-07-16. Review status: criteria provided, single submitter. Criteria: Ambry Variant Classification Scheme 2023. Collection method: clinical testing. Allele origin: germline. Not counted in ClinVar's aggregate classification.
Comment: The p.W372* pathogenic mutation (also known as c.1115G>A), located in coding exon 9 of the BRCA1 gene, results from a G to A substitution at nucleotide position 1115. This changes the amino acid from a tryptophan to a stop codon within coding exon 9. This alteration was identified in a large, worldwide study of BRCA1/2 mutation positive families (Rebbeck TR et al. Hum Mutat, 2018 05;39:593-620). Additionally, this alteration was identified in the homozygous state in two sisters with features of Fanconi Anemia including developmental delay, microcephaly and abnormal skin pigmentation (Seo A et al. Proc Natl Acad Sci U S A, 2018 05;115:5241-5246). In addition to the clinical data presented in the literature, this alteration is expected to result in loss of function by premature protein truncation or nonsense-mediated mRNA decay. As such, this alteration is interpreted as a disease-causing mutation.

Women's Health and Genetics/Laboratory Corporation of America, LabCorp
Classification: Pathogenic for Hereditary breast ovarian cancer syndrome. Last evaluated: 2021-03-14. Review status: criteria provided, single submitter. Criteria: LabCorp Variant Classification Summary - May 2015. Collection method: clinical testing. Allele origin: germline. Not counted in ClinVar's aggregate classification.
Comment: Variant summary: BRCA1 c.1115G>A (p.Trp372X) results in a premature termination codon, predicted to cause a truncation of the encoded protein or absence of the protein due to nonsense mediated decay, which are commonly known mechanisms for disease. Truncations downstream of this position have been classified as pathogenic by our laboratory. The variant allele was found at a frequency of 4e-06 in 251174 control chromosomes. c.1115G>A has been reported in the literature in individuals affected with Hereditary Breast And Ovarian Cancer Syndrome (example, Rebbeck_2018). One clinical diagnostic laboratory, an expert panel (ENIGMA), a consotrium (CIMBA) and a database (OMIM) have submitted clinical-significance assessments for this variant to ClinVar after 2014. All submitters classified the variant as pathogenic. Based on the evidence outlined above, the variant was classified as pathogenic.

Labcorp Genetics (formerly Invitae), Labcorp
Classification: Pathogenic for Hereditary breast ovarian cancer syndrome. Last evaluated: 2019-04-29. Review status: criteria provided, single submitter. Criteria: Invitae Variant Classification Sherloc (09022015). Collection method: clinical testing. Allele origin: germline. Not counted in ClinVar's aggregate classification.
Comment: For these reasons, this variant has been classified as Pathogenic. Loss-of-function variants in BRCA1 are known to be pathogenic (PMID: 20104584). A different variant (c.1116G>A) giving rise to the same protein effect observed here (p.Trp372*) has been determined to be pathogenic (PMID: 9333265, 11504767, 16515586, 16683254, 26848529). This suggests that this variant is also likely to be causative of disease. This variant has been observed to be heterozygous in several individuals with a personal and/or family history of breast and/or ovarian cancer (PMID: 28831036, 29907814, 29446198, 29625052). In addition, this variant has been observed to be homozygous in two siblings with clinical features consistent with Fanconi anemia (PMID: 29712865). ClinVar contains an entry for this variant (Variation ID: 54134). This variant is present in population databases (rs397508838, ExAC 0.001%). This sequence change creates a premature translational stop signal (p.Trp372*) in the BRCA1 gene. It is expected to result in an absent or disrupted protein product.

Consortium of Investigators of Modifiers of BRCA1/2 (CIMBA), c/o University of Cambridge
Classification: Pathogenic for Breast-ovarian cancer, familial, susceptibility to, 1. Last evaluated: 2015-10-02. Review status: criteria provided, single submitter. Criteria: CIMBA Mutation Classification guidelines May 2016. Collection method: clinical testing. Allele origin: germline. Not counted in ClinVar's aggregate classification.

OMIM
Classification: Pathogenic for FANCONI ANEMIA, COMPLEMENTATION GROUP S. Last evaluated: 2019-04-17. Review status: no assertion criteria provided. Collection method: literature only. Allele origin: unknown. Not counted in ClinVar's aggregate classification.

Literature cited by the submitters: PubMed 29446198 (cited by 3 submitters); PubMed 29712865 (cited by 3 submitters); PubMed 30720863 (cited by Ambry Genetics); PubMed 20104584 (cited by Labcorp Genetics (formerly Invitae), Labcorp); PubMed 9333265 (cited by Labcorp Genetics (formerly Invitae), Labcorp); PubMed 11504767 (cited by Labcorp Genetics (formerly Invitae), Labcorp); PubMed 16515586 (cited by Labcorp Genetics (formerly Invitae), Labcorp); PubMed 16683254 (cited by Labcorp Genetics (formerly Invitae), Labcorp); PubMed 26848529 (cited by Labcorp Genetics (formerly Invitae), Labcorp); PubMed 28831036 (cited by Labcorp Genetics (formerly Invitae), Labcorp); PubMed 29907814 (cited by Labcorp Genetics (formerly Invitae), Labcorp); PubMed 29625052 (cited by Labcorp Genetics (formerly Invitae), Labcorp).